The following is an entry in ClinVar:

ClinVar aggregate classification (germline): Uncertain significance. Review status: criteria provided, multiple submitters, no conflicts (2 of 4 stars). 2 submissions from 2 submitters: Uncertain significance (2). Last evaluated 2025-09-26.

Conditions:
Familial thoracic aortic aneurysm and aortic dissection (TAAD). Also called: Thoracic aortic aneurysms and dissections. Identifiers: Orphanet 91387, MedGen C4707243, MONDO:0019625.
FG syndrome (FGS). Identifiers: MedGen C0220769, MONDO:0002010.

Submissions (2):

Ambry Genetics
Classification: Uncertain significance for Familial thoracic aortic aneurysm and aortic dissection. Last evaluated: 2025-09-26. Review status: criteria provided, single submitter. Criteria: Ambry Variant Classification Scheme 2023. Collection method: clinical testing. Allele origin: germline.

Labcorp Genetics (formerly Invitae), Labcorp
Classification: Uncertain significance for FG syndrome. Last evaluated: 2022-09-16. Review status: criteria provided, single submitter. Criteria: Invitae Variant Classification Sherloc (09022015). Collection method: clinical testing. Allele origin: germline.
Comment: This sequence change replaces threonine, which is neutral and polar, with methionine, which is neutral and non-polar, at codon 857 of the MED12 protein (p.Thr857Met). This variant is not present in population databases (gnomAD no frequency). This variant has not been reported in the literature in individuals affected with MED12-related conditions. Advanced modeling of protein sequence and biophysical properties (such as structural, functional, and spatial information, amino acid conservation, physicochemical variation, residue mobility, and thermodynamic stability) has been performed at Invitae for this missense variant, however the output from this modeling did not meet the statistical confidence thresholds required to predict the impact of this variant on MED12 protein function. In summary, the available evidence is currently insufficient to determine the role of this variant in disease. Therefore, it has been classified as a Variant of Uncertain Significance.

NM_005120.3(MED12):c.2570C>T (p.Thr857Met)

Gene: MED12 (mediator complex subunit 12; plus strand). Cytogenetic location: Xq13.1.
Variant type: single nucleotide variant.
Coding change: c.2570C>T on transcript NM_005120.3 (MANE Select); coding-DNA position 2570, C replaced by T.
Protein change: p.Thr857Met; replaces threonine 857 with methionine.
Molecular consequence: missense variant.
Genome position (GRCh38, 1-based): chrX:71,126,369, C>T. VCF-style: chrX-71126369-C-T. GRCh37 (hg19) VCF-style: chrX-70346219-C-T.
Other names: short protein forms T857M.
Identifiers: ClinVar variation 1719593 (VCV001719593.9), dbSNP rs2519682815, ClinGen allele CA413515738.